The following is an entry in ClinVar:

NM_138420.4(AHNAK2):c.3270G>A (p.Lys1090=)

Gene: AHNAK2 (AHNAK nucleoprotein 2; minus strand). Cytogenetic location: 14q32.33.
Variant type: single nucleotide variant.
Coding change: c.3270G>A on transcript NM_138420.4 (MANE Select); coding-DNA position 3270, G replaced by A.
Protein change: p.Lys1090=; no amino-acid change (lysine 1090 retained).
Molecular consequence: synonymous variant.
Genome position (GRCh38, 1-based): chr14:104,952,181, C>T on the plus strand (G>A on the coding strand, the complement: AHNAK2 is on the minus strand). VCF-style: chr14-104952181-C-T. GRCh37 (hg19) VCF-style: chr14-105418518-C-T.
Other names: c.2970G>A, p.Lys990= (NM_001350929.2).
Identifiers: ClinVar variation 2644858 (VCV002644858.24), dbSNP rs199928133, ClinGen allele CA7383147.

ClinVar aggregate classification (germline): Likely benign (1 of 4 stars; one submission).

Allele frequency attached by ClinVar (database versions not stated): gnomAD 0.00064; gnomAD exomes 0.00064; ExAC 0.00070; ESP Exome Variant Server 0.00084.
gnomAD v4.1: 1,047 of 1,612,416 alleles (0.065%); highest among the groups gnomAD compares: Non-Finnish European, 0.058%; 7 homozygotes.

Submission:

CeGaT Center for Human Genetics Tuebingen
Classification: Likely benign. Last evaluated: 2023-03-01. Review status: criteria provided, single submitter. Criteria: CeGaT Center For Human Genetics Tuebingen Variant Classification Criteria Version 2. Collection method: clinical testing. Allele origin: germline. Affected: yes. Observed: 2 variant alleles.
Comment: AHNAK2: BP4, BP7